The following is an entry in ClinVar:

NM_181882.3(PRX):c.1369G>C (p.Glu457Gln)

Gene: PRX (periaxin; minus strand). Cytogenetic location: 19q13.2.
Variant type: single nucleotide variant.
Coding change: c.1369G>C on transcript NM_181882.3 (MANE Select); coding-DNA position 1369, G replaced by C.
Protein change: p.Glu457Gln; replaces glutamic acid 457 with glutamine.
Molecular consequence: missense variant. On other transcripts: 3 prime UTR variant (1).
Genome position (GRCh38, 1-based): chr19:40,396,983, C>G on the plus strand (G>C on the coding strand, the complement: PRX is on the minus strand). VCF-style: chr19-40396983-C-G. GRCh37 (hg19) VCF-style: chr19-40902890-C-G.
Other names: c.*1574G>C (NM_020956.2); short protein forms E457Q.
Identifiers: ClinVar variation 543310 (VCV000543310.8), dbSNP rs142064826, ClinGen allele CA405898533.
Genomic context (GRCh38, chr19:40,396,983, plus strand): 5'-TCATCTCTGACACCTTGGGGAGCTCCACCTCTGGGAGTCGAACCTCTGGAAGGGCTGCCT[C>G]GGGCACTTTTGGAAGCTTGACCTCAGGAGCCTTGGGGAGCTTCACTTCAGGTCCCTTGGG-3'
Protein context (NP_870998.2, residues 447-467): APEVKLPKVP[Glu457Gln]AALPEVRLPE

ClinVar aggregate classification (germline): Uncertain significance (1 of 4 stars; one submission).

Conditions:
Charcot-Marie-Tooth disease type 4. Also called: Charcot-Marie-Tooth, Type 4; Charcot-Marie-Tooth disease, type IV. Identifiers: Orphanet 64749, MedGen C4082197, MONDO:0018995.

Submission:

Labcorp Genetics (formerly Invitae), Labcorp
Classification: Uncertain significance for Charcot-Marie-Tooth disease type 4. Last evaluated: 2017-09-13. Review status: criteria provided, single submitter. Criteria: Invitae Variant Classification Sherloc (09022015). Collection method: clinical testing. Allele origin: germline.
Comment: This variant has not been reported in the literature in individuals with PRX-related disease. In summary, the available evidence is currently insufficient to determine the role of this variant in disease. Therefore, it has been classified as a Variant of Uncertain Significance. Algorithms developed to predict the effect of missense changes on protein structure and function do not agree on the potential impact of this missense change (SIFT: "Tolerated"; PolyPhen-2: "Possibly Damaging"; Align-GVGD: "Class C0"). This variant is not present in population databases (ExAC no frequency). This sequence change replaces glutamic acid with glutamine at codon 457 of the PRX protein (p.Glu457Gln). The glutamic acid residue is moderately conserved and there is a small physicochemical difference between glutamic acid and glutamine.